The following is an entry in ClinVar:

NM_000388.4(CASR):c.1808T>A (p.Ile603Asn)

Gene: CASR (calcium sensing receptor; plus strand). Cytogenetic location: 3q21.1.
Variant type: single nucleotide variant.
Coding change: c.1808T>A on transcript NM_000388.4 (MANE Select); coding-DNA position 1808, T replaced by A.
Protein change: p.Ile603Asn; replaces isoleucine 603 with asparagine.
Molecular consequence: missense variant.
Genome position (GRCh38, 1-based): chr3:122,283,762, T>A. VCF-style: chr3-122283762-T-A. GRCh37 (hg19) VCF-style: chr3-122002609-T-A.
Other names: c.1838T>A, p.Ile613Asn (NM_001178065.2); short protein forms I603N, I613N.
Identifiers: ClinVar variation 1780515 (VCV001780515.2), dbSNP rs2473276328, ClinGen allele CA354157441.

ClinVar aggregate classification (germline): Uncertain significance (1 of 4 stars; one submission).

Conditions:
Nephrolithiasis/nephrocalcinosis. Identifiers: MedGen CN580796.

Submission:

Ambry Genetics
Classification: Uncertain significance for Nephrolithiasis/nephrocalcinosis. Last evaluated: 2022-02-17. Review status: criteria provided, single submitter. Criteria: Ambry Variant Classification Scheme 2023. Collection method: clinical testing. Allele origin: germline.
Comment: The p.I603N variant (also known as c.1808T>A), located in coding exon 6 of the CASR gene, results from a T to A substitution at nucleotide position 1808. The isoleucine at codon 603 is replaced by asparagine, an amino acid with dissimilar properties. This amino acid position is conserved. In addition, this alteration is predicted to be deleterious by in silico analysis. Since supporting evidence is limited at this time, the clinical significance of this alteration remains unclear.